The following is an entry in ClinVar:

NM_006914.4(RORB):c.1052C>T (p.Ser351Phe)

Gene: RORB (RAR related orphan receptor B; plus strand). Cytogenetic location: 9q21.13.
Variant type: single nucleotide variant.
Coding change: c.1052C>T on transcript NM_006914.4 (MANE Select); coding-DNA position 1052, C replaced by T.
Protein change: p.Ser351Phe; replaces serine 351 with phenylalanine.
Molecular consequence: missense variant.
Genome position (GRCh38, 1-based): chr9:74,667,842, C>T. VCF-style: chr9-74667842-C-T. GRCh37 (hg19) VCF-style: chr9-77282758-C-T.
Other names: c.1085C>T, p.Ser362Phe (NM_001365023.1); short protein forms S351F, S362F.
Identifiers: ClinVar variation 2580469 (VCV002580469.1), dbSNP rs1824291699, ClinGen allele CA373771449.

ClinVar aggregate classification (germline): Uncertain significance (1 of 4 stars; one submission).

Allele frequency attached by ClinVar (database versions not stated): gnomAD exomes below 0.00001; TOPMed below 0.00001; gnomAD 0.00001.

Submission:

GeneDx
Classification: Uncertain significance. Last evaluated: 2023-03-25. Review status: criteria provided, single submitter. Criteria: GeneDx Variant Classification Process June 2021. Collection method: clinical testing. Allele origin: germline. Affected: yes.
Comment: Not observed at significant frequency in large population cohorts (gnomAD); In silico analysis supports that this missense variant has a deleterious effect on protein structure/function; Has not been previously published as pathogenic or benign to our knowledge